The following continues an entry in ClinVar:

NM_000152.5(GAA):c.1447G>A (p.Gly483Arg)

Gene: GAA. ClinVar aggregate classification (germline): Pathogenic. Pathogenic (1).

Submissions 8 to 12 of 12:

Broad Center for Mendelian Genomics, Broad Institute of MIT and Harvard
Classification: Likely pathogenic for Glycogen storage disease, type II. Last evaluated: 2020-01-22. Review status: criteria provided, single submitter. Criteria: ACMG Guidelines, 2015. Collection method: curation. Allele origin: germline. Inheritance: Autosomal recessive inheritance. Not counted in ClinVar's aggregate classification.
Comment: The heterozygous p.Gly483Arg variant in GAA has been reported in 5 individuals with Glycogen Storage Disease II, segregated with disease in 2 affected siblings from 1 family (PMID: 19588081, 24383498, 23000108), and has been identified in 0.006% (1/16208) of African chromosomes and 0.001% (1/113308) of European (non-Finnish) chromosomes by the Genome Aggregation Database (gnomAD; dbSNP rs770590394). Although this variant has been seen in the general population, its frequency is low enough to be consistent with a recessive carrier frequency. This variant has been reported as a VUS by EGL Genetic Diagnostics, likely pathogenic variant by Counsyl, and pathogenic by Invitae in ClinVar (Variation ID: 285157). In vitro functional studies provide some evidence that the p.Gly483Arg variant may impact protein function (PMID: 18425781). However, these types of assays may not accurately represent biological function. Computational prediction tools and conservation analyses suggest that this variant may impact the protein, though this information is not predictive enough to determine pathogenicity. A rare, likely pathogenic variant at the the same position, p.Gly483Val, has been reported in association with disease, slightly supporting that a change at this position may not be tolerated (PMID: 22644586, 31193175). This variant has been reported in combination with other variants associated with disease and in individuals with Glycogen Storage Disease II (PMID: 19588081, 24383498, 23000108; Variation ID: 371622, 4027, 188809). The phenotype of the 2 compound heterozygous siblings is highly specific for Glycogen Storage Disease II based on GAA activity assays with muscle and fibroblast cells as well as a Western Blot with fibroblast cells (PMID: 23000108). In summary, although additional studies are required to fully establish its clinical significance, this variant is likely pathogenic. ACMG/AMP Criteria applied: PS3, PM2, PP3, PP4, PM5_Supporting (Richards 2015).

Blueprint Genetics
Classification: Pathogenic for GAA-related disorders. Last evaluated: 2019-12-23. Review status: criteria provided, single submitter. Criteria: ACMG Guidelines, 2015. Collection method: clinical testing. Allele origin: germline. Affected: yes. Observed: 2 variant alleles. Not counted in ClinVar's aggregate classification.

Eurofins Ntd Llc (ga)
Classification: Uncertain significance. Last evaluated: 2015-12-08. Review status: criteria provided, single submitter. Criteria: EGL Classification Definitions 2015. Collection method: clinical testing. Allele origin: germline. Observed: 1 variant allele, 1 heterozygote. Not counted in ClinVar's aggregate classification.

Juno Genomics, Hangzhou Juno Genomics, Inc
Classification: Pathogenic for Glycogen storage disease, type II. Review status: criteria provided, single submitter. Criteria: ACMG Guidelines, 2015. Collection method: clinical testing. Allele origin: germline. Not counted in ClinVar's aggregate classification.
Comment: Absent from controls (or at extremely low frequency if recessive) in Genome Aggregation Database.;Well-established in vitro or in vivo functional studies supportive of a damaging effect on the gene or gene product.;For recessive disorders, detected in trans with a pathogenic variant.;Patient's phenotype or family history is highly specific for a disease with a single genetic etiology.

Counsyl
Classification: Likely pathogenic for Glycogen storage disease, type II. Last evaluated: 2017-04-28. Review status: no assertion criteria provided. Collection method: clinical testing. Allele origin: unknown. Not counted in ClinVar's aggregate classification.

Literature cited by the submitters: PubMed 38958145 (cited by Genomenon, Inc); PubMed 34852371 (cited by Genomenon, Inc); PubMed 33073009 (cited by Genomenon, Inc); PubMed 31904026 (cited by Genomenon, Inc); PubMed 31899940 (cited by Genomenon, Inc); PubMed 31710733 (cited by Genomenon, Inc); PubMed 31606152 (cited by Genomenon, Inc); PubMed 31086307 (cited by 3 submitters); PubMed 29289479 (cited by Genomenon, Inc); PubMed 18425781 (cited by 5 submitters); PubMed 23000108 (cited by 6 submitters); PubMed 27008195 (cited by Natera, Inc. and Women's Health and Genetics/Laboratory Corporation of America, LabCorp); PubMed 19588081 (cited by Labcorp Genetics (formerly Invitae), Labcorp and Counsyl); PubMed 21972175 (cited by Labcorp Genetics (formerly Invitae), Labcorp and Women's Health and Genetics/Laboratory Corporation of America, LabCorp); PubMed 29122469 (cited by Labcorp Genetics (formerly Invitae), Labcorp); PubMed 19343043 (cited by Counsyl); PubMed 24383498 (cited by Counsyl).